The following is an entry in ClinVar:

NM_000020.3(ACVRL1):c.1067C>T (p.Ser356Leu)

Gene: ACVRL1 (activin A receptor like type 1; plus strand). Cytogenetic location: 12q13.13.
Variant type: single nucleotide variant.
Coding change: c.1067C>T on transcript NM_000020.3 (MANE Select); coding-DNA position 1067, C replaced by T.
Protein change: p.Ser356Leu; replaces serine 356 with leucine.
Molecular consequence: missense variant. On other transcripts: intron variant (1).
Genome position (GRCh38, 1-based): chr12:51,916,054, C>T. VCF-style: chr12-51916054-C-T. GRCh37 (hg19) VCF-style: chr12-52309838-C-T.
Other names: c.1067C>T, p.Ser356Leu (NM_001406488.1, NM_001406489.1, NM_001077401.2 and 1 more transcripts); c.755C>T, p.Ser252Leu (NM_001406490.1, NM_001406491.1, NM_001406492.1 and 1 more transcripts); c.503C>T, p.Ser168Leu (NM_001406495.1); c.736+554C>T (NM_001406494.1); short protein forms S168L, S252L, S356L.
Identifiers: ClinVar variation 4282474 (VCV004282474.1).

ClinVar aggregate classification (germline): Uncertain significance (1 of 4 stars; one submission).

Submission:

GeneDx
Classification: Uncertain significance. Last evaluated: 2025-04-08. Review status: criteria provided, single submitter. Criteria: GeneDx Variant Classification Process June 2021. Collection method: clinical testing. Allele origin: germline. Affected: yes.
Comment: Not observed at significant frequency in large population cohorts (gnomAD); In silico analysis supports that this missense variant has a deleterious effect on protein structure/function; Has not been previously published as pathogenic or benign to our knowledge